The following is an entry in ClinVar:

NM_003742.4(ABCB11):c.2086C>A (p.Arg696=)

Gene: ABCB11 (ATP binding cassette subfamily B member 11; minus strand). Cytogenetic location: 2q31.1.
Variant type: single nucleotide variant.
Coding change: c.2086C>A on transcript NM_003742.4 (MANE Select); coding-DNA position 2086, C replaced by A.
Protein change: p.Arg696=; no amino-acid change (arginine 696 retained).
Molecular consequence: synonymous variant.
Genome position (GRCh38, 1-based): chr2:168,964,298, G>T on the plus strand (C>A on the coding strand, the complement: ABCB11 is on the minus strand). VCF-style: chr2-168964298-G-T. GRCh37 (hg19) VCF-style: chr2-169820808-G-T.
Other names: c.2086C>A (NM_003742.2); c.2086C>A, p.Arg696= (LRG_1199t1).
Identifiers: ClinVar variation 502275 (VCV000502275.6), dbSNP rs376216286, ClinGen allele CA1951370.

ClinVar aggregate classification (germline): Conflicting classifications of pathogenicity. Review status: criteria provided, conflicting classifications (1 of 4 stars). 2 submissions from 2 submitters: Uncertain significance (1); Likely benign (1). Last evaluated 2025-07-15.

Conditions:
ABCB11-related disorder. Also called: ABCB11-related condition.

Allele frequency attached by ClinVar (database versions not stated): TOPMed 0.00001.
gnomAD v4.1: 40 of 1,562,880 alleles (0.0026%); highest among the groups gnomAD compares: Middle Eastern, 0.033%; no homozygotes.

Submissions (2):

PreventionGenetics, part of Exact Sciences
Classification: Likely benign for ABCB11-related condition. Last evaluated: 2025-07-15. Review status: criteria provided, single submitter. Criteria: ACMG Guidelines, 2015. Collection method: clinical testing. Allele origin: germline.
Comment: This variant is classified as likely benign based on ACMG/AMP sequence variant interpretation guidelines (Richards et al. 2015 PMID: 25741868, with internal and published modifications).

Eurofins Ntd Llc (ga)
Classification: Uncertain significance. Last evaluated: 2017-05-25. Review status: criteria provided, single submitter. Criteria: EGL Classification Definitions 2015. Collection method: clinical testing. Allele origin: germline. Observed: 1 variant allele, 1 heterozygote.